The following is an entry in ClinVar:

ClinVar aggregate classification (germline): Uncertain significance. Review status: criteria provided, multiple submitters, no conflicts (2 of 4 stars). 2 submissions from 2 submitters: Uncertain significance (2). Last evaluated 2026-09-01.

Conditions:
NTRK2-related disorder. Also called: NTRK2-related condition.

Allele frequency attached by ClinVar (database versions not stated): ExAC 0.00006; gnomAD exomes 0.00006; ESP Exome Variant Server 0.00008; 1000 Genomes Project 30x 0.00031; 1000 Genomes Project 0.00040.
gnomAD v4.1: 23 of 1,612,408 alleles (0.0014%); highest among the groups gnomAD compares: East Asian, 0.011%; no homozygotes.

Submissions (2):

PreventionGenetics, part of Exact Sciences
Classification: Uncertain significance for NTRK2-related condition. Last evaluated: 2026-09-01. Review status: criteria provided, single submitter. Criteria: ACMG Guidelines, 2015. Collection method: clinical testing. Allele origin: germline.
Comment: The NTRK2 c.407G>A variant is predicted to result in the amino acid substitution p.Arg136His. To our knowledge, this variant has not been reported in the literature. This variant is reported in 0.022% of alleles in individuals of East Asian descent in gnomAD which is likely too common to be a primary cause of disease. Although we suspect that this variant may be benign, at this time, the clinical significance of this variant is uncertain due to the absence of conclusive functional and genetic evidence.

Labcorp Genetics (formerly Invitae), Labcorp
Classification: Uncertain significance. Last evaluated: 2025-12-29. Review status: criteria provided, single submitter. Criteria: Invitae Variant Classification Sherloc (09022015). Collection method: clinical testing. Allele origin: germline.
Comment: This sequence change replaces arginine, which is basic and polar, with histidine, which is basic and polar, at codon 136 of the NTRK2 protein (p.Arg136His). This variant is present in population databases (rs144037140, gnomAD 0.02%). This variant has not been reported in the literature in individuals affected with NTRK2-related conditions. ClinVar contains an entry for this variant (Variation ID: 1469457). Invitae Evidence Modeling of protein sequence and biophysical properties (such as structural, functional, and spatial information, amino acid conservation, physicochemical variation, residue mobility, and thermodynamic stability) indicates that this missense variant is not expected to disrupt NTRK2 protein function with a negative predictive value of 80%. In summary, the available evidence is currently insufficient to determine the role of this variant in disease. Therefore, it has been classified as a Variant of Uncertain Significance.

NM_006180.6(NTRK2):c.407G>A (p.Arg136His)

Gene: NTRK2 (neurotrophic receptor tyrosine kinase 2; plus strand). Cytogenetic location: 9q21.33.
Variant type: single nucleotide variant.
Coding change: c.407G>A on transcript NM_006180.6 (MANE Select); coding-DNA position 407, G replaced by A.
Protein change: p.Arg136His; replaces arginine 136 with histidine.
Molecular consequence: missense variant. On other transcripts: 5 prime UTR variant (5).
Genome position (GRCh38, 1-based): chr9:84,707,891, G>A. VCF-style: chr9-84707891-G-A. GRCh37 (hg19) VCF-style: chr9-87322806-G-A.
Other names: c.407G>A (NM_006180.4); c.407G>A, p.Arg136His (NM_001007097.3, NM_001018064.3, NM_001018065.2 and 18 more transcripts); c.-62G>A (NM_001369535.1, NM_001369536.1, NM_001369550.1 and 2 more transcripts); short protein forms R136H.
Identifiers: ClinVar variation 1469457 (VCV001469457.7), dbSNP rs144037140, ClinGen allele CA5105490.